The following is an entry in ClinVar:

ClinVar aggregate classification (germline): Pathogenic (1 of 4 stars; one submission).

gnomAD v4.1: 6 of 1,605,322 alleles (0.00037%); highest among the groups gnomAD compares: South Asian, 0.0067%; no homozygotes.

Submission:

Labcorp Genetics (formerly Invitae), Labcorp
Classification: Pathogenic. Last evaluated: 2024-09-16. Review status: criteria provided, single submitter. Criteria: Invitae Variant Classification Sherloc (09022015). Collection method: clinical testing. Allele origin: germline.
Comment: This sequence change creates a premature translational stop signal (p.Trp2740*) in the ADGRV1 gene. It is expected to result in an absent or disrupted protein product. Loss-of-function variants in ADGRV1 are known to be pathogenic (PMID: 19357117, 22135276, 22147658, 26226137, 30718709, 31047384, 32467589). This variant is present in population databases (rs767819670, gnomAD 0.01%). This variant has not been reported in the literature in individuals affected with ADGRV1-related conditions. Algorithms developed to predict the effect of sequence changes on RNA splicing suggest that this variant may disrupt the consensus splice site. For these reasons, this variant has been classified as Pathogenic.

Literature cited by the submitters: PubMed 19357117; PubMed 22135276; PubMed 22147658; PubMed 26226137; PubMed 30718709; PubMed 31047384; PubMed 32467589.

NM_032119.4(ADGRV1):c.8220G>A (p.Trp2740Ter)

Gene: ADGRV1 (adhesion G protein-coupled receptor V1; plus strand). Cytogenetic location: 5q14.3.
Variant type: single nucleotide variant.
Coding change: c.8220G>A on transcript NM_032119.4 (MANE Select); coding-DNA position 8220, G replaced by A.
Protein change: p.Trp2740Ter; replaces tryptophan 2740 with a stop codon.
Molecular consequence: nonsense. On other transcripts: non-coding transcript variant (1).
Genome position (GRCh38, 1-based): chr5:90,703,729, G>A. VCF-style: chr5-90703729-G-A. GRCh37 (hg19) VCF-style: chr5-89999546-G-A.
Other names: short protein forms W2740*.
Identifiers: ClinVar variation 3717590 (VCV003717590.2).